The following is an entry in ClinVar:

NM_001270.4(CHD1):c.1961G>C (p.Trp654Ser)

Gene: CHD1 (chromodomain helicase DNA binding protein 1; minus strand). Cytogenetic location: 5q15.
Variant type: single nucleotide variant.
Coding change: c.1961G>C on transcript NM_001270.4 (MANE Select); coding-DNA position 1961, G replaced by C.
Protein change: p.Trp654Ser; replaces tryptophan 654 with serine.
Molecular consequence: missense variant. On other transcripts: non-coding transcript variant (2).
Genome position (GRCh38, 1-based): chr5:98,893,446, C>G on the plus strand (G>C on the coding strand, the complement: CHD1 is on the minus strand). VCF-style: chr5-98893446-C-G. GRCh37 (hg19) VCF-style: chr5-98229150-C-G.
Other names: c.1961G>C, p.Trp654Ser (NM_001364113.3, NM_001376194.2); short protein forms W654S.
Identifiers: ClinVar variation 5017007 (VCV005017007.1).

ClinVar aggregate classification (germline): Uncertain significance (1 of 4 stars; one submission).

Submission:

GeneDx
Classification: Uncertain significance. Last evaluated: 2026-03-30. Review status: criteria provided, single submitter. Criteria: GeneDx Variant Classification Process June 2021. Collection method: clinical testing. Allele origin: germline.
Comment: Not observed at significant frequency in large population cohorts (gnomAD); In silico analysis supports that this missense variant has a deleterious effect on protein structure/function; Has not been previously published as pathogenic or benign to our knowledge